The following is an entry in ClinVar:

NM_199242.3(UNC13D):c.1472T>A (p.Leu491Ter)

Gene: UNC13D (unc-13 homolog D; minus strand). Cytogenetic location: 17q25.1.
Variant type: single nucleotide variant.
Coding change: c.1472T>A on transcript NM_199242.3 (MANE Select); coding-DNA position 1472, T replaced by A.
Protein change: p.Leu491Ter; replaces leucine 491 with a stop codon.
Molecular consequence: nonsense.
Genome position (GRCh38, 1-based): chr17:75,836,084, A>T on the plus strand (T>A on the coding strand, the complement: UNC13D is on the minus strand). VCF-style: chr17-75836084-A-T. GRCh37 (hg19) VCF-style: chr17-73832165-A-T.
Other names: short protein forms L491*.
Identifiers: ClinVar variation 533091 (VCV000533091.6), dbSNP rs1555601754, ClinGen allele CA401097928.
Genomic context (GRCh38, chr17:75,836,084, plus strand): 5'-TTGTCCCATGTGCGCTGGCACTGGTGCAGGTCGCCAATGACATCCTGTACCAGGCCCAGC[A>T]AGGCCTTGCCTGCCTCCGGGATGCCCTGCAGAGACAGAGGTGGGCTGGGCAGGGCTGCCA-3'

ClinVar aggregate classification (germline): Pathogenic (1 of 4 stars; one submission).

Conditions:
Familial hemophagocytic lymphohistiocytosis 3 (FHL3). Also called: UNC13D-Related Familial Hemophagocytic Lymphohistiocytosis (UNC13D-fHLH). Identifiers: Orphanet 540, MedGen C1837174, MONDO:0012146, OMIM 608898.

Submission:

Labcorp Genetics (formerly Invitae), Labcorp
Classification: Pathogenic for Familial hemophagocytic lymphohistiocytosis 3. Last evaluated: 2017-11-08. Review status: criteria provided, single submitter. Criteria: Invitae Variant Classification Sherloc (09022015). Collection method: clinical testing. Allele origin: germline.
Comment: For these reasons, this variant has been classified as Pathogenic. Loss-of-function variants in UNC13D are known to be pathogenic (PMID: 14622600). This variant has not been reported in the literature in individuals with UNC13D-related disease. This variant is not present in population databases (ExAC no frequency). This sequence change creates a premature translational stop signal (p.Leu491*) in the UNC13D gene. It is expected to result in an absent or disrupted protein product.

Literature cited by the submitters: PubMed 14622600.